The following is an entry in ClinVar:

NM_020433.5(JPH2):c.852C>A (p.Asp284Glu)

Gene: JPH2 (junctophilin 2; minus strand). Cytogenetic location: 20q13.12.
Variant type: single nucleotide variant.
Coding change: c.852C>A on transcript NM_020433.5 (MANE Select); coding-DNA position 852, C replaced by A.
Protein change: p.Asp284Glu; replaces aspartic acid 284 with glutamic acid.
Molecular consequence: missense variant.
Genome position (GRCh38, 1-based): chr20:44,159,935, G>T on the plus strand (C>A on the coding strand, the complement: JPH2 is on the minus strand). VCF-style: chr20-44159935-G-T. GRCh37 (hg19) VCF-style: chr20-42788575-G-T.
Other names: c.852C>A (NM_020433.4); short protein forms D284E.
Identifiers: ClinVar variation 1374094 (VCV001374094.9), dbSNP rs747209399, ClinGen allele CA409093536.
Genomic context (GRCh38, chr20:44,159,935, plus strand): 5'-GCCGAAGCCCGAGCGTTTGTCGTTCTTCCACTCGCCCATGTAGGTCTCGGTGGTGGTGGC[G>T]TCGATATCGGCCTCGAAGGGTGCGGCCTCGTCGGCGCCCTCGGCGGCCTCTCCCAGGCTG-3'
Protein context (NP_065166.2, residues 274-294): DEAAPFEADI[Asp284Glu]ATTTETYMGE

ClinVar aggregate classification (germline): Uncertain significance. Review status: criteria provided, multiple submitters, no conflicts (2 of 4 stars). 2 submissions from 2 submitters: Uncertain significance (2). Last evaluated 2026-01-07.

Conditions:
Cardiovascular phenotype. Identifiers: MedGen CN230736.
Hypertrophic cardiomyopathy. Also called: HYPERTROPHIC MYOCARDIOPATHY. Identifiers: Orphanet 217569, MedGen C0007194, MeSH D002312, MONDO:0005045, HP:0001639.

Allele frequency attached by ClinVar (database versions not stated): TOPMed below 0.00001.
gnomAD v4.1: 37 of 1,583,890 alleles (0.0023%); highest among the groups gnomAD compares: Non-Finnish European, 0.0032%; no homozygotes.

Submissions (2):

Labcorp Genetics (formerly Invitae), Labcorp
Classification: Uncertain significance for Hypertrophic cardiomyopathy. Last evaluated: 2026-01-07. Review status: criteria provided, single submitter. Criteria: Invitae Variant Classification Sherloc (09022015). Collection method: clinical testing. Allele origin: germline.
Comment: This sequence change replaces aspartic acid, which is acidic and polar, with glutamic acid, which is acidic and polar, at codon 284 of the JPH2 protein (p.Asp284Glu). This variant is present in population databases (no rsID available, gnomAD 0.0009%). This variant has not been reported in the literature in individuals affected with JPH2-related conditions. ClinVar contains an entry for this variant (Variation ID: 1374094). An algorithm developed to predict the effect of missense changes on protein structure and function (PolyPhen-2) suggests that this variant is likely to be disruptive. In summary, the available evidence is currently insufficient to determine the role of this variant in disease. Therefore, it has been classified as a Variant of Uncertain Significance.

Ambry Genetics
Classification: Uncertain significance for Cardiovascular phenotype. Last evaluated: 2023-07-05. Review status: criteria provided, single submitter. Criteria: Ambry Variant Classification Scheme 2023. Collection method: clinical testing. Allele origin: germline.
Comment: The p.D284E variant (also known as c.852C>A), located in coding exon 2 of the JPH2 gene, results from a C to A substitution at nucleotide position 852. The aspartic acid at codon 284 is replaced by glutamic acid, an amino acid with highly similar properties. This amino acid position is conserved. In addition, this alteration is predicted to be tolerated by in silico analysis. Since supporting evidence is limited at this time, the clinical significance of this alteration remains unclear.